The following is an entry in ClinVar:

ClinVar aggregate classification (germline): Pathogenic/Likely pathogenic. Review status: criteria provided, multiple submitters, no conflicts (2 of 4 stars). 8 submissions from 8 submitters: Pathogenic (5); Likely pathogenic (2). 1 of the submissions does not count toward it. Last evaluated 2025-05-19.

Conditions:
COACH syndrome 3. Identifiers: MedGen C5436841, MONDO:0030862, OMIM 619113.
Meckel syndrome, type 5 (MKS5). Identifiers: Orphanet 564, MedGen C1969052, MONDO:0012695, OMIM 611561.
Joubert syndrome 7 (JBTS7). Identifiers: Orphanet 220497, MedGen C1969053, MONDO:0012694, OMIM 611560.
RPGRIP1L-related disorder. Also called: RPGRIP1L-related disorders; RPGRIP1L-related condition. Identifiers: MedGen CN239416.
Joubert syndrome. Also called: JOUBERT-BOLTSHAUSER SYNDROME; Familial aplasia of the vermis. Identifiers: Orphanet 475, MedGen C5979921, MONDO:0018772.
Meckel-Gruber syndrome. Also called: DYSENCEPHALIA SPLANCHNOCYSTICA; GRUBER SYNDROME; Dysencephalia splachnocystica. Identifiers: Orphanet 564, MedGen C0265215, MONDO:0018921.

Allele frequency attached by ClinVar (database versions not stated): gnomAD 0.00001; gnomAD exomes 0.00001 and 0.00002; TOPMed 0.00001; ExAC 0.00002; ESP Exome Variant Server 0.00008.
gnomAD v4.1: 10 of 1,613,982 alleles (0.00062%); highest among the groups gnomAD compares: Admixed American, 0.0067%; no homozygotes.

Submissions (8):

Labcorp Genetics (formerly Invitae), Labcorp
Classification: Pathogenic for Joubert syndrome; Meckel-Gruber syndrome. Last evaluated: 2025-05-19. Review status: criteria provided, single submitter. Criteria: Invitae Variant Classification Sherloc (09022015). Collection method: clinical testing. Allele origin: germline.
Comment: This sequence change creates a premature translational stop signal (p.Arg805*) in the RPGRIP1L gene. It is expected to result in an absent or disrupted protein product. Loss-of-function variants in RPGRIP1L are known to be pathogenic (PMID: 17558409). This variant is present in population databases (rs145665129, gnomAD 0.009%). This premature translational stop signal has been observed in individual(s) with Joubert syndrome (PMID: 19574260). ClinVar contains an entry for this variant (Variation ID: 1079). For these reasons, this variant has been classified as Pathogenic.

Natera, Inc.
Classification: Likely pathogenic for Joubert syndrome. Last evaluated: 2024-08-16. Review status: criteria provided, single submitter. Criteria: Natera Variant Classification Schema (03/2026). Collection method: clinical testing. Allele origin: germline.
Comment: The c.2413C>T variant in RPGRIP1L is a nonsense variant predicted to introduce a stop codon at amino acid 805. This variant is expected to result in nonsense mediated decay, truncation, or a dysfunctional protein product. This variant is rare in the general population with a frequency below the threshold expected for the associated phenotype(s). Given the available evidence, this variant is classified as Likely Pathogenic.

GeneDx
Classification: Pathogenic. Last evaluated: 2024-01-05. Review status: criteria provided, single submitter. Criteria: GeneDx Variant Classification Process June 2021. Collection method: clinical testing. Allele origin: germline. Affected: yes.
Comment: Identified in siblings with features consistent with JSRD in published literature (PMID: 19574260, 21866095); Nonsense variant predicted to result in protein truncation or nonsense mediated decay in a gene for which loss-of-function is a known mechanism of disease; Not observed at significant frequency in large population cohorts (gnomAD); This variant is associated with the following publications: (PMID: 25525159, 31589614, 17558409, 32139166, 21866095, 26092869, 19574260, 31964843)

Fulgent Genetics
Classification: Pathogenic for Joubert syndrome 7; Meckel syndrome, type 5; COACH syndrome 3. Last evaluated: 2023-12-26. Review status: criteria provided, single submitter. Criteria: ACMG Guidelines, 2015. Collection method: clinical testing. Allele origin: germline.

Blueprint Genetics
Classification: Likely pathogenic for RPGRIP1L-related disorders. Last evaluated: 2019-01-05. Review status: criteria provided, single submitter. Criteria: ACMG Guidelines, 2015. Collection method: clinical testing. Allele origin: germline. Affected: yes. Observed: 1 variant allele.

Eurofins Ntd Llc (ga)
Classification: Pathogenic. Last evaluated: 2018-05-31. Review status: criteria provided, single submitter. Criteria: EGL ClinVar v180209 classification definitions. Collection method: clinical testing. Allele origin: germline. Observed: 1 variant allele, 1 heterozygote.

UW Hindbrain Malformation Research Program, University of Washington
Classification: Pathogenic for Joubert syndrome 7. Last evaluated: 2015-02-23. Review status: criteria provided, single submitter. Criteria: Bachmann-Gagescu et al. (J Med Genet. 2015). Collection method: research. Allele origin: unknown. Affected: yes.

OMIM
Classification: Pathogenic for COACH SYNDROME 3 (1 patient). Last evaluated: 2010-01-01. Review status: no assertion criteria provided. Collection method: literature only. Allele origin: germline. Not counted in ClinVar's aggregate classification.

Literature cited by the submitters: PubMed 17558409 (cited by Labcorp Genetics (formerly Invitae), Labcorp); PubMed 19574260 (cited by Labcorp Genetics (formerly Invitae), Labcorp and OMIM).

NM_015272.5(RPGRIP1L):c.2413C>T (p.Arg805Ter)

Gene: RPGRIP1L (RPGRIP1 like; minus strand). Cytogenetic location: 16q12.2.
Variant type: single nucleotide variant.
Coding change: c.2413C>T on transcript NM_015272.5 (MANE Select); coding-DNA position 2413, C replaced by T.
Protein change: p.Arg805Ter; replaces arginine 805 with a stop codon.
Molecular consequence: nonsense.
Genome position (GRCh38, 1-based): chr16:53,645,895, G>A on the plus strand (C>T on the coding strand, the complement: RPGRIP1L is on the minus strand). VCF-style: chr16-53645895-G-A. GRCh37 (hg19) VCF-style: chr16-53679807-G-A.
Other names: c.2413C>T, p.Arg805Ter (NM_001127897.4, NM_001308334.3, NM_001330538.2); c.2413C>T (NM_015272.4); short protein forms R805*.
Identifiers: ClinVar variation 1079 (VCV000001079.18), dbSNP rs145665129, ClinGen allele CA210648.